The following is an entry in ClinVar:

NM_080680.3(COL11A2):c.2070+3G>A

Gene: COL11A2 (collagen type XI alpha 2 chain; minus strand). Cytogenetic location: 6p21.32.
Variant type: single nucleotide variant.
Coding change: c.2070+3G>A on transcript NM_080680.3 (MANE Select); 3 bases into the intron after coding-DNA position 2070, G replaced by A.
Molecular consequence: intron variant.
Genome position (GRCh38, 1-based): chr6:33,176,989, C>T on the plus strand (G>A on the coding strand, the complement: COL11A2 is on the minus strand). VCF-style: chr6-33176989-C-T. GRCh37 (hg19) VCF-style: chr6-33144766-C-T.
Other names: c.1749+3G>A (NM_080679.3); c.1812+3G>A (NM_080681.3).
Identifiers: ClinVar variation 2012740 (VCV002012740.4), dbSNP rs1384322182, ClinGen allele CA566429645.
Genomic context (GRCh38, chr6:33,176,989, plus strand): 5'-TGAGGTCATGCACTGGGGTGGAAGGCCAAGGGGAACTGGATTCGGAAGTGGGGTCCCACT[C>T]ACCGGGGGTCCGTCTGAGCCAGGCATGCCGGGGAGCCCTGGCTTCCCTTGAGGACCCTGC-3'

ClinVar aggregate classification (germline): Uncertain significance (1 of 4 stars; one submission).

Allele frequency attached by ClinVar (database versions not stated): gnomAD exomes below 0.00001.
gnomAD v4.1: 6 of 1,610,476 alleles (0.00037%); highest among the groups gnomAD compares: Non-Finnish European, 0.00051%; no homozygotes.

Submission:

Labcorp Genetics (formerly Invitae), Labcorp
Classification: Uncertain significance. Last evaluated: 2022-09-09. Review status: criteria provided, single submitter. Criteria: Invitae Variant Classification Sherloc (09022015). Collection method: clinical testing. Allele origin: germline.
Comment: This variant has not been reported in the literature in individuals affected with COL11A2-related conditions. In summary, the available evidence is currently insufficient to determine the role of this variant in disease. Therefore, it has been classified as a Variant of Uncertain Significance. Variants that disrupt the consensus splice site are a relatively common cause of aberrant splicing (PMID: 17576681, 9536098). Algorithms developed to predict the effect of sequence changes on RNA splicing suggest that this variant is not likely to affect RNA splicing. This variant is not present in population databases (gnomAD no frequency). This sequence change falls in intron 25 of the COL11A2 gene. It does not directly change the encoded amino acid sequence of the COL11A2 protein. It affects a nucleotide within the consensus splice site.

Literature cited by the submitters: PubMed 17576681; PubMed 9536098.